The following is an entry in ClinVar:

ClinVar aggregate classification (germline): Uncertain significance (1 of 4 stars; one submission).

Allele frequency attached by ClinVar (database versions not stated): gnomAD exomes below 0.00001; gnomAD 0.00001; TOPMed 0.00001.
gnomAD v4.1: 7 of 1,613,816 alleles (0.00043%); highest among the groups gnomAD compares: Non-Finnish European, 0.00059%; no homozygotes.

Submission:

Labcorp Genetics (formerly Invitae), Labcorp
Classification: Uncertain significance. Last evaluated: 2023-08-27. Review status: criteria provided, single submitter. Criteria: Invitae Variant Classification Sherloc (09022015). Collection method: clinical testing. Allele origin: germline.
Comment: ClinVar contains an entry for this variant (Variation ID: 1020385). In summary, the available evidence is currently insufficient to determine the role of this variant in disease. Therefore, it has been classified as a Variant of Uncertain Significance. Advanced modeling of protein sequence and biophysical properties (such as structural, functional, and spatial information, amino acid conservation, physicochemical variation, residue mobility, and thermodynamic stability) performed at Invitae indicates that this missense variant is not expected to disrupt MTOR protein function. This variant has not been reported in the literature in individuals affected with MTOR-related conditions. This variant is not present in population databases (gnomAD no frequency). This sequence change replaces arginine, which is basic and polar, with glutamine, which is neutral and polar, at codon 360 of the MTOR protein (p.Arg360Gln).

NM_004958.4(MTOR):c.1079G>A (p.Arg360Gln)

Gene: MTOR (mechanistic target of rapamycin kinase; minus strand). Cytogenetic location: 1p36.22.
Variant type: single nucleotide variant.
Coding change: c.1079G>A on transcript NM_004958.4 (MANE Select); coding-DNA position 1079, G replaced by A.
Protein change: p.Arg360Gln; replaces arginine 360 with glutamine.
Molecular consequence: missense variant.
Genome position (GRCh38, 1-based): chr1:11,247,856, C>T on the plus strand (G>A on the coding strand, the complement: MTOR is on the minus strand). VCF-style: chr1-11247856-C-T. GRCh37 (hg19) VCF-style: chr1-11307913-C-T.
Other names: short protein forms R360Q.
Identifiers: ClinVar variation 1020385 (VCV001020385.7), dbSNP rs1557482604, ClinGen allele CA338399497.